The following is an entry in ClinVar:

ClinVar aggregate classification (germline): Uncertain significance (1 of 4 stars; one submission).

Submission:

Labcorp Genetics (formerly Invitae), Labcorp
Classification: Uncertain significance. Last evaluated: 2022-06-17. Review status: criteria provided, single submitter. Criteria: Invitae Variant Classification Sherloc (09022015). Collection method: clinical testing. Allele origin: germline.
Comment: In summary, the available evidence is currently insufficient to determine the role of this variant in disease. Therefore, it has been classified as a Variant of Uncertain Significance. Algorithms developed to predict the effect of missense changes on protein structure and function are either unavailable or do not agree on the potential impact of this missense change (SIFT: "Deleterious"; PolyPhen-2: "Probably Damaging"; Align-GVGD: "Class C0"). This variant has not been reported in the literature in individuals affected with DNAH9-related conditions. This variant is not present in population databases (gnomAD no frequency). This sequence change replaces glutamic acid, which is acidic and polar, with alanine, which is neutral and non-polar, at codon 1430 of the DNAH9 protein (p.Glu1430Ala).

NM_001372.4(DNAH9):c.4289A>C (p.Glu1430Ala)

Gene: DNAH9 (dynein axonemal heavy chain 9; plus strand). Cytogenetic location: 17p12.
Variant type: single nucleotide variant.
Coding change: c.4289A>C on transcript NM_001372.4 (MANE Select); coding-DNA position 4289, A replaced by C.
Protein change: p.Glu1430Ala; replaces glutamic acid 1430 with alanine.
Molecular consequence: missense variant.
Genome position (GRCh38, 1-based): chr17:11,690,111, A>C. VCF-style: chr17-11690111-A-C. GRCh37 (hg19) VCF-style: chr17-11593428-A-C.
Other names: short protein forms E1430A.
Identifiers: ClinVar variation 2007634 (VCV002007634.2), dbSNP rs1467445887, ClinGen allele CA398187150.
Genomic context (GRCh38, chr17:11,690,111, plus strand): 5'-AGCTCCAGCTGCACCACTATGAGGATGAGGTCCGGGGCATTGTGGACAAAGCTGCAAAAG[A>C]GATGGGTATGGAGAAAACCTTAAAGGAGCTGCAGACTACCTGGGCTGGCATGGAATTCCA-3'
Protein context (NP_001363.2, residues 1420-1440): VRGIVDKAAK[Glu1430Ala]MGMEKTLKEL